The following is an entry in ClinVar:

NM_004667.6(HERC2):c.14106G>C (p.Gln4702His)

Gene: HERC2 (HECT and RLD domain containing E3 ubiquitin protein ligase 2; minus strand). Cytogenetic location: 15q13.1.
Variant type: single nucleotide variant.
Coding change: c.14106G>C on transcript NM_004667.6 (MANE Select); coding-DNA position 14106, G replaced by C.
Protein change: p.Gln4702His; replaces glutamine 4702 with histidine.
Molecular consequence: missense variant.
Genome position (GRCh38, 1-based): chr15:28,113,197, C>G on the plus strand (G>C on the coding strand, the complement: HERC2 is on the minus strand). VCF-style: chr15-28113197-C-G. GRCh37 (hg19) VCF-style: chr15-28358343-C-G.
Other names: short protein forms Q4702H.
Identifiers: ClinVar variation 1710749 (VCV001710749.2), dbSNP rs374551104, ClinGen allele CA391368555.

ClinVar aggregate classification (germline): Uncertain significance (1 of 4 stars; one submission).

gnomAD v4.1: 6 of 1,614,168 alleles (0.00037%); highest among the groups gnomAD compares: Middle Eastern, 0.016%; no homozygotes.

Submission:

GeneDx
Classification: Uncertain significance. Last evaluated: 2022-04-15. Review status: criteria provided, single submitter. Criteria: GeneDx Variant Classification Process June 2021. Collection method: clinical testing. Allele origin: germline. Affected: yes.
Comment: Not observed at significant frequency in large population cohorts (gnomAD); In silico analysis supports that this missense variant has a deleterious effect on protein structure/function; Has not been previously published as pathogenic or benign to our knowledge